The following is an entry in ClinVar:

NM_005633.4(SOS1):c.802G>C (p.Glu268Gln)

Gene: SOS1 (SOS Ras/Rac guanine nucleotide exchange factor 1; minus strand). Cytogenetic location: 2p22.1.
Variant type: single nucleotide variant.
Coding change: c.802G>C on transcript NM_005633.4 (MANE Select); coding-DNA position 802, G replaced by C.
Protein change: p.Glu268Gln; replaces glutamic acid 268 with glutamine.
Molecular consequence: missense variant.
Genome position (GRCh38, 1-based): chr2:39,051,206, C>G on the plus strand (G>C on the coding strand, the complement: SOS1 is on the minus strand). VCF-style: chr2-39051206-C-G. GRCh37 (hg19) VCF-style: chr2-39278347-C-G.
Other names: c.781G>C, p.Glu261Gln (NM_001382394.1); c.802G>C, p.Glu268Gln (NM_001382395.1); short protein forms E261Q, E268Q.
Identifiers: ClinVar variation 2499440 (VCV002499440.1), dbSNP rs2529154963, ClinGen allele CA346367681.

ClinVar aggregate classification (germline): Uncertain significance (1 of 4 stars; one submission).

Submission:

GeneDx
Classification: Uncertain significance. Last evaluated: 2023-04-11. Review status: criteria provided, single submitter. Criteria: GeneDx Variant Classification Process June 2021. Collection method: clinical testing. Allele origin: germline. Affected: yes.
Comment: Not observed at significant frequency in large population cohorts (gnomAD); Missense variants in this gene are often considered pathogenic (HGMD); In silico analysis supports that this missense variant has a deleterious effect on protein structure/function; Has not been previously published as pathogenic or benign to our knowledge